The following is an entry in ClinVar:

ClinVar aggregate classification (germline): Benign (1 of 4 stars; one submission).

Submissions (12):

Mayo Clinic Laboratories, Mayo Clinic
Classification: Benign. Last evaluated: 2023-03-28. Review status: criteria provided, single submitter. Criteria: ACMG Guidelines, 2015. Collection method: clinical testing. Allele origin: germline. Observed: 15 variant alleles.
Comment: BA1, BP4, BP7

Dr. Peter K. Rogan Lab, Western University
No classification provided (evidence only). Condition: Adrenocortical carcinoma, hereditary. Review status: no classification provided. Collection method: in vitro. Allele origin: not applicable. Functional consequence: skipped exon. Not counted in ClinVar's aggregate classification.

Dr. Peter K. Rogan Lab, Western University
No classification provided (evidence only). Condition: Cholangiocarcinoma. Review status: no classification provided. Collection method: in vitro. Allele origin: not applicable. Functional consequence: retained intron. Not counted in ClinVar's aggregate classification.

Dr. Peter K. Rogan Lab, Western University
No classification provided (evidence only). Condition: Cholangiocarcinoma. Review status: no classification provided. Collection method: in vitro. Allele origin: not applicable. Functional consequence: retained intron. Not counted in ClinVar's aggregate classification.

Dr. Peter K. Rogan Lab, Western University
No classification provided (evidence only). Condition: Cholangiocarcinoma. Review status: no classification provided. Collection method: in vitro. Allele origin: not applicable. Functional consequence: retained intron. Not counted in ClinVar's aggregate classification.

Dr. Peter K. Rogan Lab, Western University
No classification provided (evidence only). Condition: Uterine corpus endometrial carcinoma. Review status: no classification provided. Collection method: in vitro. Allele origin: not applicable. Functional consequence: retained intron. Not counted in ClinVar's aggregate classification.

Dr. Peter K. Rogan Lab, Western University
No classification provided (evidence only). Condition: Malignant tumor of esophagus. Review status: no classification provided. Collection method: in vitro. Allele origin: not applicable. Functional consequence: retained intron. Not counted in ClinVar's aggregate classification.

Dr. Peter K. Rogan Lab, Western University
No classification provided (evidence only). Condition: Malignant tumor of esophagus. Review status: no classification provided. Collection method: in vitro. Allele origin: not applicable. Functional consequence: retained intron. Not counted in ClinVar's aggregate classification.

Dr. Peter K. Rogan Lab, Western University
No classification provided (evidence only). Condition: Malignant tumor of esophagus. Review status: no classification provided. Collection method: in vitro. Allele origin: not applicable. Functional consequence: retained intron. Not counted in ClinVar's aggregate classification.

Dr. Peter K. Rogan Lab, Western University
No classification provided (evidence only). Condition: Malignant tumor of esophagus. Review status: no classification provided. Collection method: in vitro. Allele origin: not applicable. Functional consequence: skipped exon, retained intron. Not counted in ClinVar's aggregate classification.

Dr. Peter K. Rogan Lab, Western University
No classification provided (evidence only). Condition: Malignant tumor of esophagus. Review status: no classification provided. Collection method: in vitro. Allele origin: not applicable. Functional consequence: skipped exon. Not counted in ClinVar's aggregate classification.

Dr. Peter K. Rogan Lab, Western University
No classification provided (evidence only). Condition: Malignant tumor of esophagus. Review status: no classification provided. Collection method: in vitro. Allele origin: not applicable. Functional consequence: skipped exon. Not counted in ClinVar's aggregate classification.

NM_014822.4(SEC24D):c.1708-3del

Gene: SEC24D (SEC24 homolog D, COPII component; minus strand). Cytogenetic location: 4q26.
Variant type: Deletion.
Coding change: c.1708-3del on transcript NM_014822.4 (MANE Select); 3 bases into the intron before coding-DNA position 1708, one base deleted (T; older notation c.1708-3delT).
Molecular consequence: intron variant.
Genome position (GRCh38, 1-based): chr4:118,745,063, A deleted on the plus strand (T on the coding strand, the reverse complement: SEC24D is on the minus strand); the first of 15 consecutive A bases (chr4:118,745,063-118,745,077); deleting any one gives the same sequence. VCF-style (leftmost placement, unchanged base first): chr4-118745062-TA-T. GRCh37 (hg19) VCF-style: chr4-119666217-TA-T.
Other names: NC_000004.11:g.119666232del; p.?; c.1708-17del (NM_014822.4); c.1711-3del (NM_001318066.2).
Identifiers: ClinVar variation 4288436 (VCV004288436.2).